The following is an entry in ClinVar:

ClinVar aggregate classification (germline): Conflicting classifications of pathogenicity. Review status: criteria provided, conflicting classifications (1 of 4 stars). 2 submissions from 2 submitters: Uncertain significance (1); Benign (1). Last evaluated 2025-03-17.

Conditions:
Tuberous sclerosis 2 (TSC2). Identifiers: Orphanet 805, MedGen C1860707, MONDO:0013199, OMIM 613254.
Hereditary cancer-predisposing syndrome. Also called: Neoplastic Syndromes, Hereditary; Hereditary neoplastic syndrome; Tumor predisposition; Hereditary Cancer Syndrome. Identifiers: Orphanet 140162, MedGen C0027672, MeSH D009386, MONDO:0015356.

Allele frequency attached by ClinVar (database versions not stated): gnomAD exomes below 0.00001; ExAC 0.00001.

Submissions (2):

Labcorp Genetics (formerly Invitae), Labcorp
Classification: Benign for Tuberous sclerosis 2. Last evaluated: 2025-03-17. Review status: criteria provided, single submitter. Criteria: Invitae Variant Classification Sherloc (09022015). Collection method: clinical testing. Allele origin: germline.

Ambry Genetics
Classification: Uncertain significance for Hereditary cancer-predisposing syndrome. Last evaluated: 2023-07-20. Review status: criteria provided, single submitter. Criteria: Ambry Variant Classification Scheme 2023. Collection method: clinical testing. Allele origin: germline.
Comment: The p.S867N variant (also known as c.2600G>A), located in coding exon 22 of the TSC2 gene, results from a G to A substitution at nucleotide position 2600. The serine at codon 867 is replaced by asparagine, an amino acid with highly similar properties. This amino acid position is conserved. In addition, the in silico prediction for this alteration is inconclusive. Since supporting evidence is limited at this time, the clinical significance of this alteration remains unclear.

NM_000548.5(TSC2):c.2600G>A (p.Ser867Asn)

Gene: TSC2 (TSC complex subunit 2; plus strand). Cytogenetic location: 16p13.3.
Variant type: single nucleotide variant.
Coding change: c.2600G>A on transcript NM_000548.5 (MANE Select); coding-DNA position 2600, G replaced by A.
Protein change: p.Ser867Asn; replaces serine 867 with asparagine.
Molecular consequence: missense variant.
Genome position (GRCh38, 1-based): chr16:2,075,853, G>A. VCF-style: chr16-2075853-G-A. GRCh37 (hg19) VCF-style: chr16-2125854-G-A.
Other names: c.2600G>A, p.Ser867Asn (NM_001077183.3, NM_001114382.3, NM_001363528.2 and 3 more transcripts); c.2489G>A, p.Ser830Asn (NM_001318827.2); c.2453G>A, p.Ser818Asn (NM_001318829.2); c.2000G>A, p.Ser667Asn (NM_001318831.2); c.2633G>A, p.Ser878Asn (NM_001318832.2); short protein forms S667N, S818N, S830N, S867N, S878N.
Identifiers: ClinVar variation 843081 (VCV000843081.12), dbSNP rs751702841, ClinGen allele CA040228.
Genomic context (GRCh38, chr16:2,075,853, plus strand): 5'-CCGCAGCTCTGGCCAGGCTGCCGCACCTCTACAGGAACTTTGCCGCGGAGCAGTATGCCA[G>A]TGTGTTCGCCATCTCCCTGCCGTACACCAACCCCTCCAAGTGAGTGGTCGCCCCAGGCCC-3'
Protein context (NP_000539.2, residues 857-877): YRNFAAEQYA[Ser867Asn]VFAISLPYTN